The following is an entry in ClinVar:

NM_018474.6(KIZ):c.695T>C (p.Ile232Thr)

Gene: KIZ (kizuna centrosomal protein; plus strand). Cytogenetic location: 20p11.23.
Variant type: single nucleotide variant.
Coding change: c.695T>C on transcript NM_018474.6 (MANE Select); coding-DNA position 695, T replaced by C.
Protein change: p.Ile232Thr; replaces isoleucine 232 with threonine.
Molecular consequence: missense variant.
Genome position (GRCh38, 1-based): chr20:21,162,160, T>C. VCF-style: chr20-21162160-T-C. GRCh37 (hg19) VCF-style: chr20-21142801-T-C.
Other names: c.386T>C, p.Ile129Thr (NM_001163022.3, NM_001352435.2); c.296T>C, p.Ile99Thr (NM_001163023.3); c.548T>C, p.Ile183Thr (NM_001276389.2); c.695T>C, p.Ile232Thr (NM_001352434.2); c.353T>C, p.Ile118Thr (NM_001352436.2); c.695T>C (NM_018474.4); short protein forms I118T, I129T, I183T, I232T, I99T.
Identifiers: ClinVar variation 1060091 (VCV001060091.6), dbSNP rs371083758, ClinGen allele CA9784692.

ClinVar aggregate classification (germline): Uncertain significance. Review status: criteria provided, multiple submitters, no conflicts (2 of 4 stars). 2 submissions from 2 submitters: Uncertain significance (2). Last evaluated 2021-09-01.

Allele frequency attached by ClinVar (database versions not stated): gnomAD 0.00001; gnomAD exomes 0.00002; TOPMed 0.00002; ExAC 0.00003; ESP Exome Variant Server 0.00008.
gnomAD v4.1: 13 of 1,611,096 alleles (0.00081%); highest among the groups gnomAD compares: African/African-American, 0.0027%; no homozygotes.

Submissions (2):

Ambry Genetics
Classification: Uncertain significance. Last evaluated: 2021-09-01. Review status: criteria provided, single submitter. Criteria: Ambry Variant Classification Scheme 2023. Collection method: clinical testing. Allele origin: germline.

Labcorp Genetics (formerly Invitae), Labcorp
Classification: Uncertain significance. Last evaluated: 2020-10-03. Review status: criteria provided, single submitter. Criteria: Invitae Variant Classification Sherloc (09022015). Collection method: clinical testing. Allele origin: germline.
Comment: Experimental studies and prediction algorithms are not available or were not evaluated, and the functional significance of this variant is currently unknown. In summary, the available evidence is currently insufficient to determine the role of this variant in disease. Therefore, it has been classified as a Variant of Uncertain Significance. This variant has not been reported in the literature in individuals with KIZ-related conditions. This variant is present in population databases (rs371083758, ExAC 0.02%). This sequence change replaces isoleucine with threonine at codon 232 of the KIZ protein (p.Ile232Thr). The isoleucine residue is moderately conserved and there is a moderate physicochemical difference between isoleucine and threonine.